The following is an entry in ClinVar:

ClinVar aggregate classification (germline): Uncertain significance (1 of 4 stars; one submission).

Conditions:
Intellectual developmental disorder, autosomal dominant 1. Also called: Intellectual disability, autosomal dominant 1; MBD5 Haploinsufficiency. Identifiers: Orphanet 228402, MedGen C1969562, MONDO:0007974, OMIM 156200.

Allele frequency attached by ClinVar (database versions not stated): TOPMed below 0.00001; ExAC 0.00001.
gnomAD v4.1: 2 of 1,613,914 alleles (0.00012%); highest among the groups gnomAD compares: Admixed American, 0.0017%; no homozygotes.

Submission:

Labcorp Genetics (formerly Invitae), Labcorp
Classification: Uncertain significance for Intellectual developmental disorder, autosomal dominant 1. Last evaluated: 2023-04-07. Review status: criteria provided, single submitter. Criteria: Invitae Variant Classification Sherloc (09022015). Collection method: clinical testing. Allele origin: germline.
Comment: This sequence change replaces alanine, which is neutral and non-polar, with aspartic acid, which is acidic and polar, at codon 260 of the MBD5 protein (p.Ala260Asp). In summary, the available evidence is currently insufficient to determine the role of this variant in disease. Therefore, it has been classified as a Variant of Uncertain Significance. Advanced modeling of protein sequence and biophysical properties (such as structural, functional, and spatial information, amino acid conservation, physicochemical variation, residue mobility, and thermodynamic stability) performed at Invitae indicates that this missense variant is not expected to disrupt MBD5 protein function. ClinVar contains an entry for this variant (Variation ID: 1906001). This variant has not been reported in the literature in individuals affected with MBD5-related conditions. This variant is present in population databases (rs746178722, gnomAD no frequency).

NM_001378120.1(MBD5):c.779C>A (p.Ala260Asp)

Gene: MBD5 (methyl-CpG binding domain protein 5; plus strand). Cytogenetic location: 2q23.1.
Variant type: single nucleotide variant.
Coding change: c.779C>A on transcript NM_001378120.1 (MANE Select); coding-DNA position 779, C replaced by A.
Protein change: p.Ala260Asp; replaces alanine 260 with aspartic acid.
Molecular consequence: missense variant.
Genome position (GRCh38, 1-based): chr2:148,468,722, C>A. VCF-style: chr2-148468722-C-A. GRCh37 (hg19) VCF-style: chr2-149226291-C-A.
Other names: c.779C>A, p.Ala260Asp (NM_018328.5); short protein forms A260D.
Identifiers: ClinVar variation 1906001 (VCV001906001.5), dbSNP rs746178722, ClinGen allele CA1899925.